The following is an entry in ClinVar:

ClinVar aggregate classification (germline): Uncertain significance (1 of 4 stars; one submission).

Allele frequency attached by ClinVar (database versions not stated): gnomAD exomes below 0.00001.
gnomAD v4.1: 1 of 1,612,864 alleles (0.000062%); highest among the groups gnomAD compares: Non-Finnish European, 0.000085%; no homozygotes.

Submission:

Labcorp Genetics (formerly Invitae), Labcorp
Classification: Uncertain significance. Last evaluated: 2021-08-14. Review status: criteria provided, single submitter. Criteria: Invitae Variant Classification Sherloc (09022015). Collection method: clinical testing. Allele origin: germline.
Comment: This sequence change replaces alanine with valine at codon 299 of the ASNS protein (p.Ala299Val). The alanine residue is highly conserved and there is a small physicochemical difference between alanine and valine. This variant is not present in population databases (ExAC no frequency). This variant has not been reported in the literature in individuals affected with ASNS-related conditions. Advanced modeling of protein sequence and biophysical properties (such as structural, functional, and spatial information, amino acid conservation, physicochemical variation, residue mobility, and thermodynamic stability) performed at Invitae indicates that this missense variant is expected to disrupt ASNS protein function. In summary, the available evidence is currently insufficient to determine the role of this variant in disease. Therefore, it has been classified as a Variant of Uncertain Significance.

NM_001673.5(ASNS):c.896C>T (p.Ala299Val)

Genes: ASNS (asparagine synthetase (glutamine-hydrolyzing); minus strand), CZ1P-ASNS (CZ1P-ASNS readthrough; minus strand). Cytogenetic location: 7q21.3.
Variant type: single nucleotide variant.
Coding change: c.896C>T on transcript NM_001673.5 (MANE Select); coding-DNA position 896, C replaced by T.
Protein change: p.Ala299Val; replaces alanine 299 with valine.
Molecular consequence: missense variant. On other transcripts: non-coding transcript variant (1).
Genome position (GRCh38, 1-based): chr7:97,858,285, G>A on the plus strand (C>T on the coding strand, the complement: ASNS is on the minus strand). VCF-style: chr7-97858285-G-A. GRCh37 (hg19) VCF-style: chr7-97487597-G-A.
Other names: c.833C>T, p.Ala278Val (NM_001178075.2); c.647C>T, p.Ala216Val (NM_001178076.2, NM_001178077.1); c.896C>T, p.Ala299Val (NM_001352496.2, NM_133436.3, NM_183356.4); short protein forms A299V, A278V, A216V.
Identifiers: ClinVar variation 1364936 (VCV001364936.5), dbSNP rs1447226285, ClinGen allele CA368267576.